The following is an entry in ClinVar:

NM_000552.5(VWF):c.1179A>G (p.Gln393=)

Gene: VWF (von Willebrand factor; minus strand). Cytogenetic location: 12p13.31.
Variant type: single nucleotide variant.
Coding change: c.1179A>G on transcript NM_000552.5 (MANE Select); coding-DNA position 1179, A replaced by G.
Protein change: p.Gln393=; no amino-acid change (glutamine 393 retained).
Molecular consequence: synonymous variant.
Genome position (GRCh38, 1-based): chr12:6,065,251, T>C on the plus strand (A>G on the coding strand, the complement: VWF is on the minus strand). VCF-style: chr12-6065251-T-C. GRCh37 (hg19) VCF-style: chr12-6174417-T-C.
Identifiers: ClinVar variation 3375270 (VCV003375270.1).

ClinVar aggregate classification (germline): Uncertain significance (1 of 4 stars; one submission).

gnomAD v4.1: 60 of 1,613,962 alleles (0.0037%); highest among the groups gnomAD compares: Non-Finnish European, 0.0047%; no homozygotes.

Submission:

Women's Health and Genetics/Laboratory Corporation of America, LabCorp
Classification: Uncertain significance. Last evaluated: 2024-09-24. Review status: criteria provided, single submitter. Criteria: LabCorp Variant Classification Summary - May 2015. Collection method: clinical testing. Allele origin: germline.
Comment: Variant summary: VWF c.1179A>G alters a conserved nucleotide resulting in a synonymous change. Several computational tools predict a significant impact on normal splicing: Two predict the variant strengthens a cryptic 5' donor site. Two predict the variant creates the cryptic 5' donor site. However, these predictions have yet to be confirmed by functional studies. The variant allele was found at a frequency of 2.4e-05 in 251208 control chromosomes. The available data on variant occurrences in the general population are insufficient to allow any conclusion about variant significance. To our knowledge, no occurrence of c.1179A>G in individuals affected with Von Willebrand Disease and no experimental evidence demonstrating its impact on protein function have been reported. No submitters have cited clinical-significance assessments for this variant to ClinVar. Based on the evidence outlined above, the variant was classified as uncertain significance.